The following is an entry in ClinVar:

ClinVar aggregate classification (germline): Uncertain significance (1 of 4 stars; one submission).

Conditions:
Loeys-Dietz syndrome 4 (LDS4). Also called: TGFB2-Related Loeys-Dietz Syndrome; ANEURYSM, AORTIC AND CEREBRAL, WITH ARTERIAL TORTUOSITY AND SKELETAL MANIFESTATIONS. Identifiers: MedGen C3553762, MONDO:0013897, OMIM 614816.

Submission:

Labcorp Genetics (formerly Invitae), Labcorp
Classification: Uncertain significance for Loeys-Dietz syndrome 4. Last evaluated: 2023-10-10. Review status: criteria provided, single submitter. Criteria: Invitae Variant Classification Sherloc (09022015). Collection method: clinical testing. Allele origin: germline.
Comment: This sequence change replaces alanine, which is neutral and non-polar, with aspartic acid, which is acidic and polar, at codon 100 of the TGFB2 protein (p.Ala100Asp). This variant is not present in population databases (gnomAD no frequency). This variant has not been reported in the literature in individuals affected with TGFB2-related conditions. Advanced modeling of protein sequence and biophysical properties (such as structural, functional, and spatial information, amino acid conservation, physicochemical variation, residue mobility, and thermodynamic stability) performed at Invitae indicates that this missense variant is not expected to disrupt TGFB2 protein function. In summary, the available evidence is currently insufficient to determine the role of this variant in disease. Therefore, it has been classified as a Variant of Uncertain Significance.

NM_003238.6(TGFB2):c.299C>A (p.Ala100Asp)

Gene: TGFB2 (transforming growth factor beta 2; plus strand). Cytogenetic location: 1q41.
Variant type: single nucleotide variant.
Coding change: c.299C>A on transcript NM_003238.6 (MANE Select); coding-DNA position 299, C replaced by A.
Protein change: p.Ala100Asp; replaces alanine 100 with aspartic acid.
Molecular consequence: missense variant. On other transcripts: non-coding transcript variant (2).
Genome position (GRCh38, 1-based): chr1:218,347,000, C>A. VCF-style: chr1-218347000-C-A. GRCh37 (hg19) VCF-style: chr1-218520342-C-A.
Other names: c.299C>A, p.Ala100Asp (NM_001135599.4); short protein forms A100D.
Identifiers: ClinVar variation 2767503 (VCV002767503.3), dbSNP rs992485773, ClinGen allele CA344725727.
Genomic context (GRCh38, chr1:218,347,000, plus strand): 5'-AGAAGGCGAGCCGGAGGGCGGCCGCCTGCGAGCGCGAGAGGAGCGACGAAGAGTACTACG[C>A]CAAGGAGGTTTACAAAATAGACATGCCGCCCTTCTTCCCCTCCGAAAGTAAGTACTTATT-3'
Protein context (NP_003229.1, residues 90-110): ERERSDEEYY[Ala100Asp]KEVYKIDMPP